The following is an entry in ClinVar:

NM_012478.4(WBP2):c.627C>T (p.Ser209=)

Gene: WBP2 (WW domain binding protein 2; minus strand). Cytogenetic location: 17q25.1.
Variant type: single nucleotide variant.
Coding change: c.627C>T on transcript NM_012478.4 (MANE Select); coding-DNA position 627, C replaced by T.
Protein change: p.Ser209=; no amino-acid change (serine 209 retained).
Molecular consequence: synonymous variant.
Genome position (GRCh38, 1-based): chr17:75,847,515, G>A on the plus strand (C>T on the coding strand, the complement: WBP2 is on the minus strand). VCF-style: chr17-75847515-G-A. GRCh37 (hg19) VCF-style: chr17-73843596-G-A.
Other names: c.492C>T, p.Ser164= (NM_001330499.2); c.627C>T, p.Ser209= (NM_001348170.1); c.627C>T (NM_012478.3).
Identifiers: ClinVar variation 1649920 (VCV001649920.9), dbSNP rs764339091, ClinGen allele CA8773835.

ClinVar aggregate classification (germline): Conflicting classifications of pathogenicity. Review status: criteria provided, conflicting classifications (1 of 4 stars). 2 submissions from 2 submitters: Uncertain significance (1); Likely benign (1). Last evaluated 2025-02-19.

Conditions:
WBP2-related disorder. Also called: WBP2-related condition.

Allele frequency attached by ClinVar (database versions not stated): gnomAD exomes 0.00001; ExAC 0.00003; gnomAD 0.00001.
gnomAD v4.1: 16 of 1,590,150 alleles (0.001%); highest among the groups gnomAD compares: Middle Eastern, 0.034%; no homozygotes.

Submissions (2):

PreventionGenetics, part of Exact Sciences
Classification: Uncertain significance for WBP2-related condition. Last evaluated: 2025-02-19. Review status: criteria provided, single submitter. Criteria: ACMG Guidelines, 2015. Collection method: clinical testing. Allele origin: germline.
Comment: The WBP2 c.627C>T variant is not predicted to result in an amino acid change (p.=). This variant is predicted to alter splicing based on available splicing prediction software (SpliceAI, Jaganathan et al. 2019. PubMed ID: 30661751). However, the use of computer prediction softwares is not equivalent to functional evidence. To our knowledge, this variant has not been reported in the literature. This variant is reported in 0.0037% of alleles in individuals of South Asian descent in gnomAD. At this time, the clinical significance of this variant is uncertain due to the absence of conclusive functional and genetic evidence.

Labcorp Genetics (formerly Invitae), Labcorp
Classification: Likely benign. Last evaluated: 2021-10-23. Review status: criteria provided, single submitter. Criteria: Invitae Variant Classification Sherloc (09022015). Collection method: clinical testing. Allele origin: germline.